The following is an entry in ClinVar:

ClinVar aggregate classification (germline): Benign. Review status: criteria provided, multiple submitters, no conflicts (2 of 4 stars). 3 submissions from 3 submitters: Benign (3). Last evaluated 2024-07-15.

Allele frequency attached by ClinVar (database versions not stated): 1000 Genomes Project 30x 0.14288; 1000 Genomes Project 0.14337; TOPMed 0.21693; ESP Exome Variant Server 0.24084; gnomAD 0.25388; gnomAD exomes 0.26171 and 0.30233; ExAC 0.27308.
gnomAD v4.1: 475,173 of 1,610,300 alleles (30%); highest among the groups gnomAD compares: Non-Finnish European, 33%; 75,938 homozygotes.

Submissions (3):

Unidad de Genómica Garrahan, Hospital de Pediatría Garrahan
Classification: Benign. Last evaluated: 2024-07-15. Review status: criteria provided, single submitter. Criteria: ACMG Guidelines, 2015. Collection method: clinical testing. Allele origin: germline. Affected: no. Observed: 45 variant alleles.
Comment: This variant is classified as Benign based on local population frequency. This variant was detected in 48% of patients studied in a panel designed for Epileptic and Developmental Encephalopathy and Progressive Myoclonus Epilepsy. Number of patients: 45. Only high quality variants are reported.

GeneDx
Classification: Benign. Last evaluated: 2018-06-18. Review status: criteria provided, single submitter. Criteria: GeneDx Variant Classification (06012015). Collection method: clinical testing. Allele origin: germline. Affected: yes.
Comment: This variant is considered likely benign or benign based on one or more of the following criteria: it is a conservative change, it occurs at a poorly conserved position in the protein, it is predicted to be benign by multiple in silico algorithms, and/or has population frequency not consistent with disease.

Breakthrough Genomics
Classification: Benign. Review status: criteria provided, single submitter. Criteria: ACMG Guidelines, 2015. Collection method: not provided. Allele origin: germline. Inheritance: Autosomal recessive inheritance. Affected: yes.

NM_007327.4(GRIN1):c.1340-38G>A

Gene: GRIN1 (glutamate ionotropic receptor NMDA type subunit 1; plus strand). Cytogenetic location: 9q34.3.
Variant type: single nucleotide variant.
Coding change: c.1340-38G>A on transcript NM_007327.4 (MANE Select); 38 bases into the intron before coding-DNA position 1340, G replaced by A.
Molecular consequence: intron variant.
Genome position (GRCh38, 1-based): chr9:137,161,251, G>A. VCF-style: chr9-137161251-G-A. GRCh37 (hg19) VCF-style: chr9-140055703-G-A.
Other names: c.1403-38G>A (NM_001185090.2, NM_001185091.2); c.1340-38G>A (NM_021569.4, NM_000832.7).
Identifiers: ClinVar variation 681803 (VCV000681803.4), dbSNP rs41290007, ClinGen allele CA5360921.
Genomic context (GRCh38, chr9:137,161,251, plus strand): 5'-GGCAGCCGTGAGTGCGCGGGGCAGGGCGCGGGGCGCGGGGCAGGGCGCGGGGCGTGGGGC[G>A]GTCTGGAGCCCAGCAGTTACCGCCCGCACCTACCCAGCCCGCCACACGGTGCCTCAGTGT-3'